The following is an entry in ClinVar:

NM_004369.4(COL6A3):c.8007C>T (p.His2669=)

Gene: COL6A3 (collagen type VI alpha 3 chain; minus strand). Cytogenetic location: 2q37.3.
Variant type: single nucleotide variant.
Coding change: c.8007C>T on transcript NM_004369.4 (MANE Select); coding-DNA position 8007, C replaced by T.
Protein change: p.His2669=; no amino-acid change (histidine 2669 retained).
Molecular consequence: synonymous variant.
Genome position (GRCh38, 1-based): chr2:237,340,909, G>A on the plus strand (C>T on the coding strand, the complement: COL6A3 is on the minus strand). VCF-style: chr2-237340909-G-A. GRCh37 (hg19) VCF-style: chr2-238249552-G-A.
Other names: c.6186C>T, p.His2062= (NM_057166.5); c.7389C>T, p.His2463= (NM_057167.4).
Identifiers: ClinVar variation 285810 (VCV000285810.34), dbSNP rs528369978, ClinGen allele CA2187643.

ClinVar aggregate classification (germline): Benign/Likely benign. Review status: criteria provided, multiple submitters, no conflicts (2 of 4 stars). 6 submissions from 6 submitters: Benign (1); Likely benign (5). Last evaluated 2026-02-01.

Conditions:
COL6A3-related disorder. Also called: COL6A3-related disorders; COL6A3-related condition.
Collagen 6-related myopathy. Identifiers: MedGen CN117976, MONDO:0100225.
Bethlem myopathy 1A. Also called: Bethlem myopathy 1; Bethlem Muscular Dystrophy; MYOPATHY, BENIGN CONGENITAL, WITH CONTRACTURES. Identifiers: Orphanet 610, MedGen CN029274, MONDO:0024530, OMIM 158810.

Allele frequency attached by ClinVar (database versions not stated): gnomAD exomes 0.00018 and 0.00033; gnomAD 0.00035 and 0.00044; ExAC 0.00042; TOPMed 0.00059; 1000 Genomes Project 30x 0.00125; 1000 Genomes Project 0.00140.
gnomAD v4.1: 336 of 1,613,326 alleles (0.021%); highest among the groups gnomAD compares: South Asian, 0.19%; 2 homozygotes.

Submissions (6):

CeGaT Center for Human Genetics Tuebingen
Classification: Likely benign. Last evaluated: 2026-02-01. Review status: criteria provided, single submitter. Criteria: CeGaT Center For Human Genetics Tuebingen Variant Classification Criteria Version 2. Collection method: clinical testing. Allele origin: germline. Affected: yes. Observed: 2 variant alleles.
Comment: COL6A3: BP4, BP7

Labcorp Genetics (formerly Invitae), Labcorp
Classification: Likely benign for Bethlem myopathy 1A. Last evaluated: 2026-01-15. Review status: criteria provided, single submitter. Criteria: Invitae Variant Classification Sherloc (09022015). Collection method: clinical testing. Allele origin: germline.

PreventionGenetics, part of Exact Sciences
Classification: Likely benign for COL6A3-related condition. Last evaluated: 2025-09-12. Review status: criteria provided, single submitter. Criteria: ACMG Guidelines, 2015. Collection method: clinical testing. Allele origin: germline.
Comment: This variant is classified as likely benign based on ACMG/AMP sequence variant interpretation guidelines (Richards et al. 2015 PMID: 25741868, with internal and published modifications).

GeneDx
Classification: Likely benign. Last evaluated: 2021-05-12. Review status: criteria provided, single submitter. Criteria: GeneDx Variant Classification Process June 2021. Collection method: clinical testing. Allele origin: germline. Affected: yes.

Illumina Laboratory Services, Illumina
Classification: Benign for Collagen VI-related myopathy. Last evaluated: 2018-01-12. Review status: criteria provided, single submitter. Criteria: ICSL Variant Classification Criteria 13 December 2019. Collection method: clinical testing. Allele origin: germline.
Comment: This variant was observed in the ICSL laboratory as part of a predisposition screen in an ostensibly healthy population. It had not been previously curated by ICSL or reported in the Human Gene Mutation Database (HGMD: prior to June 1st, 2018), and was therefore a candidate for classification through an automated scoring system. Utilizing variant allele frequency, disease prevalence and penetrance estimates, and inheritance mode, an automated score was calculated to assess if this variant is too frequent to cause the disease. Based on the score and internal cut-off values, a variant classified as benign is not then subjected to further curation. The score for this variant resulted in a classification of benign for this disease.

Eurofins Ntd Llc (ga)
Classification: Likely benign. Last evaluated: 2016-01-19. Review status: criteria provided, single submitter. Criteria: EGL Classification Definitions 2015. Collection method: clinical testing. Allele origin: germline. Observed: 2 variant alleles, 2 heterozygotes.